The following is an entry in ClinVar:

NM_000553.6(WRN):c.3578C>A (p.Thr1193Asn)

Gene: WRN (WRN RecQ like helicase; plus strand). Cytogenetic location: 8p12.
Variant type: single nucleotide variant.
Coding change: c.3578C>A on transcript NM_000553.6 (MANE Select); coding-DNA position 3578, C replaced by A.
Protein change: p.Thr1193Asn; replaces threonine 1193 with asparagine.
Molecular consequence: missense variant.
Genome position (GRCh38, 1-based): chr8:31,150,346, C>A. VCF-style: chr8-31150346-C-A. GRCh37 (hg19) VCF-style: chr8-31007862-C-A.
Other names: short protein forms T1193N.
Identifiers: ClinVar variation 528105 (VCV000528105.4), dbSNP rs1267766243, ClinGen allele CA370927316.

ClinVar aggregate classification (germline): Uncertain significance (1 of 4 stars; one submission).

Conditions:
Werner syndrome (WRN). Identifiers: Orphanet 902, MedGen C0043119, MONDO:0010196, OMIM 277700.

Allele frequency attached by ClinVar (database versions not stated): TOPMed below 0.00001.

Submission:

Labcorp Genetics (formerly Invitae), Labcorp
Classification: Uncertain significance for Werner syndrome. Last evaluated: 2017-09-12. Review status: criteria provided, single submitter. Criteria: Invitae Variant Classification Sherloc (09022015). Collection method: clinical testing. Allele origin: germline.
Comment: This sequence change replaces threonine with asparagine at codon 1193 of the WRN protein (p.Thr1193Asn). The threonine residue is highly conserved and there is a small physicochemical difference between threonine and asparagine. This variant is not present in population databases (ExAC no frequency). This variant has not been reported in the literature in individuals with WRN-related disease. Algorithms developed to predict the effect of missense changes on protein structure and function do not agree on the potential impact of this missense change (SIFT: "Deleterious"; PolyPhen-2: "Probably Damaging"; Align-GVGD: "Class C55"). In summary, the available evidence is currently insufficient to determine the role of this variant in disease. Therefore, it has been classified as a Variant of Uncertain Significance.